The following is an entry in ClinVar:

NM_015102.5(NPHP4):c.2170A>G (p.Met724Val)

Gene: NPHP4 (nephrocystin 4; minus strand). Cytogenetic location: 1p36.31.
Variant type: single nucleotide variant.
Coding change: c.2170A>G on transcript NM_015102.5 (MANE Select); coding-DNA position 2170, A replaced by G.
Protein change: p.Met724Val; replaces methionine 724 with valine.
Molecular consequence: missense variant. On other transcripts: non-coding transcript variant (1).
Genome position (GRCh38, 1-based): chr1:5,891,002, T>C on the plus strand (A>G on the coding strand, the complement: NPHP4 is on the minus strand). VCF-style: chr1-5891002-T-C. GRCh37 (hg19) VCF-style: chr1-5951062-T-C.
Other names: c.631A>G, p.Met211Val (NM_001291593.2); c.634A>G, p.Met212Val (NM_001291594.2); c.2170A>G (NM_015102.3); short protein forms M724V, M211V, M212V.
Identifiers: ClinVar variation 594321 (VCV000594321.10), dbSNP rs886598057, ClinGen allele CA17150773.

ClinVar aggregate classification (germline): Uncertain significance. Review status: criteria provided, multiple submitters, no conflicts (2 of 4 stars). 3 submissions from 3 submitters: Uncertain significance (3). Last evaluated 2025-09-08.

Conditions:
Inborn genetic diseases. Identifiers: MedGen C0950123, MeSH D030342.
Nephronophthisis. Also called: Juvenile Nephronophthisis. Identifiers: Orphanet 655, MedGen C0687120, MONDO:0019005, HP:0000090.

Allele frequency attached by ClinVar (database versions not stated): gnomAD exomes 0.00001; TOPMed 0.00002.
gnomAD v4.1: 4 of 1,565,088 alleles (0.00026%); highest among the groups gnomAD compares: Non-Finnish European, 0.00035%; no homozygotes.

Submissions (3):

Labcorp Genetics (formerly Invitae), Labcorp
Classification: Uncertain significance for Nephronophthisis. Last evaluated: 2025-09-08. Review status: criteria provided, single submitter. Criteria: Invitae Variant Classification Sherloc (09022015). Collection method: clinical testing. Allele origin: germline.
Comment: This sequence change replaces methionine, which is neutral and non-polar, with valine, which is neutral and non-polar, at codon 724 of the NPHP4 protein (p.Met724Val). This variant is present in population databases (no rsID available, gnomAD 0.007%). This variant has not been reported in the literature in individuals affected with NPHP4-related conditions. ClinVar contains an entry for this variant (Variation ID: 594321). Invitae Evidence Modeling of protein sequence and biophysical properties (such as structural, functional, and spatial information, amino acid conservation, physicochemical variation, residue mobility, and thermodynamic stability) indicates that this missense variant is not expected to disrupt NPHP4 protein function with a negative predictive value of 80%. In summary, the available evidence is currently insufficient to determine the role of this variant in disease. Therefore, it has been classified as a Variant of Uncertain Significance.

Ambry Genetics
Classification: Uncertain significance for Inborn genetic diseases. Last evaluated: 2025-08-13. Review status: criteria provided, single submitter. Criteria: Ambry Variant Classification Scheme 2023. Collection method: clinical testing. Allele origin: germline.

Eurofins Ntd Llc (ga)
Classification: Uncertain significance. Last evaluated: 2017-10-02. Review status: criteria provided, single submitter. Criteria: EGL Classification Definitions 2015. Collection method: clinical testing. Allele origin: germline. Observed: 1 variant allele, 1 heterozygote.